The following is an entry in ClinVar:

NM_012434.5(SLC17A5):c.614-21T>C

Gene: SLC17A5 (solute carrier family 17 member 5; minus strand). Cytogenetic location: 6q13.
Variant type: single nucleotide variant.
Coding change: c.614-21T>C on transcript NM_012434.5 (MANE Select); 21 bases into the intron before coding-DNA position 614, T replaced by C.
Molecular consequence: intron variant.
Genome position (GRCh38, 1-based): chr6:73,636,728, A>G on the plus strand (T>C on the coding strand, the complement: SLC17A5 is on the minus strand). VCF-style: chr6-73636728-A-G. GRCh37 (hg19) VCF-style: chr6-74346451-A-G.
Other names: p.?; c.383-1228T>C (NM_001382636.1); c.383-21T>C (NM_001382629.1); c.614-1228T>C (NM_001382632.1); c.614-24T>C (NM_001382635.1); c.614-21T>C (NM_001382634.1, NM_001382630.1, NM_001382633.1); c.635-21T>C (NM_001382631.1).
Identifiers: ClinVar variation 4683204 (VCV004683204.1).

ClinVar aggregate classification (germline): Likely benign (1 of 4 stars; one submission).

gnomAD v4.1: 66 of 1,541,796 alleles (0.0043%); highest among the groups gnomAD compares: African/African-American, 0.031%; no homozygotes.

Submission:

Mayo Clinic Laboratories, Mayo Clinic
Classification: Likely benign. Last evaluated: 2025-09-09. Review status: criteria provided, single submitter. Criteria: ACMG Guidelines, 2015. Collection method: clinical testing. Allele origin: germline. Observed: 1 variant allele.
Comment: BP4, BP7, PM2_supporting